The following is an entry in ClinVar:

NM_001606.5(ABCA2):c.4609_4611del (p.Ser1537del)

Gene: ABCA2 (ATP binding cassette subfamily A member 2; minus strand). Cytogenetic location: 9q34.3.
Variant type: Deletion.
Coding change: c.4609_4611del on transcript NM_001606.5 (MANE Select); coding-DNA positions 4609 to 4611, 3 bases deleted (TCG; older notation c.4609_4611delTCG).
Protein change: p.Ser1537del; deletes serine 1537.
Genome position (GRCh38, 1-based): chr9:137,013,258-137,013,260, CGA deleted on the plus strand (TCG on the coding strand, the reverse complement: ABCA2 is on the minus strand); deleting any 3 consecutive bases within chr9:137,013,258-137,013,262 gives the same sequence; the c. name uses the placement nearest the transcript's 3' end. VCF-style (leftmost placement, unchanged base first): chr9-137013257-CCGA-C. GRCh37 (hg19) VCF-style: chr9-139907709-CCGA-C.
Other names: c.4606_4608del, p.Ser1536del (NM_001411042.1); c.4699_4701del, p.Ser1567del (NM_212533.3); short protein forms S1537del, S1536del, S1567del.
Identifiers: ClinVar variation 3657214 (VCV003657214.2).

ClinVar aggregate classification (germline): Uncertain significance (1 of 4 stars; one submission).

Submission:

Labcorp Genetics (formerly Invitae), Labcorp
Classification: Uncertain significance. Last evaluated: 2024-06-20. Review status: criteria provided, single submitter. Criteria: Invitae Variant Classification Sherloc (09022015). Collection method: clinical testing. Allele origin: germline.
Comment: This variant, c.4699_4701del, results in the deletion of 1 amino acid(s) of the ABCA2 protein (p.Ser1567del), but otherwise preserves the integrity of the reading frame. This variant is not present in population databases (gnomAD no frequency). This variant has not been reported in the literature in individuals affected with ABCA2-related conditions. Experimental studies and prediction algorithms are not available or were not evaluated, and the functional significance of this variant is currently unknown. In summary, the available evidence is currently insufficient to determine the role of this variant in disease. Therefore, it has been classified as a Variant of Uncertain Significance.